The following is an entry in ClinVar:

ClinVar aggregate classification (germline): Uncertain significance (1 of 4 stars; one submission).

Conditions:
Left ventricular noncompaction 8 (LVNC8). Identifiers: Orphanet 154, Orphanet 54260, MedGen C3809288, MONDO:0014152, OMIM 615373.

Submission:

Labcorp Genetics (formerly Invitae), Labcorp
Classification: Uncertain significance for Left ventricular noncompaction 8. Last evaluated: 2025-05-19. Review status: criteria provided, single submitter. Criteria: Invitae Variant Classification Sherloc (09022015). Collection method: clinical testing. Allele origin: germline.
Comment: This sequence change replaces valine, which is neutral and non-polar, with leucine, which is neutral and non-polar, at codon 782 of the PRDM16 protein (p.Val782Leu). This variant is not present in population databases (gnomAD no frequency). This variant has not been reported in the literature in individuals affected with PRDM16-related conditions. ClinVar contains an entry for this variant (Variation ID: 1487593). An algorithm developed to predict the effect of missense changes on protein structure and function (PolyPhen-2) suggests that this variant is likely to be tolerated. In summary, the available evidence is currently insufficient to determine the role of this variant in disease. Therefore, it has been classified as a Variant of Uncertain Significance.

NM_022114.4(PRDM16):c.2344G>T (p.Val782Leu)

Gene: PRDM16 (PR/SET domain 16; plus strand). Cytogenetic location: 1p36.32.
Variant type: single nucleotide variant.
Coding change: c.2344G>T on transcript NM_022114.4 (MANE Select); coding-DNA position 2344, G replaced by T.
Protein change: p.Val782Leu; replaces valine 782 with leucine.
Molecular consequence: missense variant.
Genome position (GRCh38, 1-based): chr1:3,412,541, G>T. VCF-style: chr1-3412541-G-T. GRCh37 (hg19) VCF-style: chr1-3329105-G-T.
Other names: c.2344G>T, p.Val782Leu (NM_199454.3); short protein forms V782L.
Identifiers: ClinVar variation 1487593 (VCV001487593.6), dbSNP rs763116381, ClinGen allele CA338000183.